The following is an entry in ClinVar:

ClinVar aggregate classification (germline): Uncertain significance (1 of 4 stars; one submission).

Conditions:
Hereditary breast ovarian cancer syndrome. Also called: Hereditary breast and ovarian cancer syndrome; Hereditary breast and ovarian cancer syndrome (HBOC); BRCA1- and BRCA2-Associated Hereditary Breast and Ovarian Cancer; Hereditary breast and ovarian cancer; Breast and ovarian cancer; Hereditary breast and/or ovarian cancer syndrome. Identifiers: Orphanet 145, MedGen C0677776, MeSH D061325, MONDO:0003582. Disease mechanism: loss of function.

Submission:

Labcorp Genetics (formerly Invitae), Labcorp
Classification: Uncertain significance for Hereditary breast ovarian cancer syndrome. Last evaluated: 2024-06-06. Review status: criteria provided, single submitter. Criteria: Invitae Variant Classification Sherloc (09022015). Collection method: clinical testing. Allele origin: germline.
Comment: This sequence change replaces asparagine, which is neutral and polar, with aspartic acid, which is acidic and polar, at codon 20 of the BRCA2 protein (p.Asn20Asp). This variant is not present in population databases (gnomAD no frequency). This variant has not been reported in the literature in individuals affected with BRCA2-related conditions. Advanced modeling of protein sequence and biophysical properties (such as structural, functional, and spatial information, amino acid conservation, physicochemical variation, residue mobility, and thermodynamic stability) performed at Invitae indicates that this missense variant is not expected to disrupt BRCA2 protein function with a negative predictive value of 95%. In summary, the available evidence is currently insufficient to determine the role of this variant in disease. Therefore, it has been classified as a Variant of Uncertain Significance.

NM_000059.4(BRCA2):c.58A>G (p.Asn20Asp)

Gene: BRCA2 (BRCA2 DNA repair associated; plus strand). Cytogenetic location: 13q13.1.
Variant type: single nucleotide variant.
Coding change: c.58A>G on transcript NM_000059.4 (MANE Select); coding-DNA position 58, A replaced by G.
Protein change: p.Asn20Asp; replaces asparagine 20 with aspartic acid.
Molecular consequence: missense variant. On other transcripts: non-coding transcript variant (1), intron variant (1).
Genome position (GRCh38, 1-based): chr13:32,316,518, A>G. VCF-style: chr13-32316518-A-G. GRCh37 (hg19) VCF-style: chr13-32890655-A-G.
Other names: c.58A>G, p.Asn20Asp (NM_001406719.1, NM_001406720.1, NM_001406721.1 and 1 more transcripts); c.-303+851A>G (NM_001406722.1); short protein forms N20D.
Identifiers: ClinVar variation 3636404 (VCV003636404.2).